The following is an entry in ClinVar:

ClinVar aggregate classification (germline): Likely pathogenic (3 of 4 stars; one submission).

Conditions:
Monogenic diabetes. Identifiers: Orphanet 183625, MedGen C3888631, MONDO:0015967.

Submission:

ClinGen Monogenic Diabetes Variant Curation Expert Panel
Classification: Likely pathogenic for Monogenic diabetes. Last evaluated: 2022-04-03. Review status: reviewed by expert panel. Criteria: ClinGen Diabetes ACMG Specifications v1 1. Collection method: curation. Allele origin: germline. Inheritance: Autosomal dominant inheritance.
Comment: The c.2186delT variant in the HNF1 homeobox A gene , HNF1A, causes a frameshift in the protein at codon 62 (NM_000545.8), adding 93 novel amino acids before encountering a stop codon (p.(Asn62LysfsTer93)). This variant, located in biologically-relevant exon 1 of 10, is predicted to lead to nonsense mediated decay in a gene in which loss-of-function is an established disease mechanism (PVS1; PMID: 23348805). Additionally, this variant is absent from gnomAD v2.1.1 (PM2_Supporting). This variant segregated with diabetes with one informative meiosis in a single family; however, this does not meet the thresholds for PP1 set by the ClinGen MDEP (PMIDs: 26431509, 27236918). The nucleotide change c.185delA, which causes the same frameshift, has been classified as pathogenic by the ClinGen MDEP; however, PS1 is not applied to frameshift variants by the ClinGen MDEP. In summary, c.186delT meets the criteria to be classified as likely pathogenic for monogenic diabetes. ACMG/AMP criteria applied, as specified by the ClinGen MDEP (specification version 1.1, approved 9/30/21): PVS1, PM2_Supporting.

NM_000545.8(HNF1A):c.186del (p.Asn62fs)

Gene: HNF1A (HNF1 homeobox A; plus strand). Cytogenetic location: 12q24.31.
Variant type: Deletion.
Coding change: c.186del on transcript NM_000545.8 (MANE Select); coding-DNA position 186, one base deleted (T; older notation c.186delT).
Protein change: p.Asn62fs; shifts the reading frame from asparagine 62.
Molecular consequence: frameshift variant.
Genome position (GRCh38, 1-based): chr12:120,978,954, T deleted. VCF-style (leftmost placement, unchanged base first): chr12-120978953-AT-A. GRCh37 (hg19) VCF-style: chr12-121416756-AT-A.
Other names: NM_001306179.2:c.186del; c.186del, p.Asn62fs (NM_001306179.2); short protein forms N62fs.
Identifiers: ClinVar variation 1676687 (VCV001676687.3), dbSNP rs2135819908, ClinGen allele CA2573051036.
Genomic context (GRCh38, chr12:120,978,953, plus strand): 5'-GCCCCCTGGACAAGGGGGAGTCCTGCGGCGGCGGTCGAGGGGAGCTGGCTGAGCTGCCCA[AT>A]GGGCTGGGGGAGACTCGGGGCTCCGAGGACGAGACGGACGACGATGGGGAAGACTTCACG-3'